The following is an entry in ClinVar:

ClinVar aggregate classification (germline): Likely benign (1 of 4 stars; one submission).

Submission:

Women's Health and Genetics/Laboratory Corporation of America, LabCorp
Classification: Likely benign. Last evaluated: 2026-05-06. Review status: criteria provided, single submitter. Criteria: LabCorp Variant Classification Summary - May 2015. Collection method: clinical testing. Allele origin: germline.
Comment: Variant summary: SZT2 c.8163C>A alters a non-conserved nucleotide resulting in a synonymous change. Consensus agreement among computation tools predict no significant impact on normal splicing. However, these predictions have yet to be confirmed by functional studies. The variant was absent in 251274 control chromosomes. The available data on variant occurrences in the general population are insufficient to allow any conclusion about variant significance. To our knowledge, no occurrence of c.8163C>A in individuals affected with SZT2-related conditions and no experimental evidence demonstrating its impact on protein function have been reported. No submitters have cited clinical-significance assessments for this variant to ClinVar. Based on the evidence outlined above, the variant was classified as likely benign.

NM_001365999.1(SZT2):c.8334C>A (p.Ser2778=)

Gene: SZT2 (SZT2 subunit of KICSTOR complex; plus strand). Cytogenetic location: 1p34.2.
Variant type: single nucleotide variant.
Coding change: c.8334C>A on transcript NM_001365999.1 (MANE Select); coding-DNA position 8334, C replaced by A.
Protein change: p.Ser2778=; no amino-acid change (serine 2778 retained).
Molecular consequence: synonymous variant.
Genome position (GRCh38, 1-based): chr1:43,443,001, C>A. VCF-style: chr1-43443001-C-A. GRCh37 (hg19) VCF-style: chr1-43908672-C-A.
Other names: c.8163C>A, p.Ser2721= (NM_015284.4).
Identifiers: ClinVar variation 4853524 (VCV004853524.1).